The following is an entry in ClinVar:

NM_012330.4(KAT6B):c.2152C>T (p.Arg718Trp)

Gene: KAT6B (lysine acetyltransferase 6B; plus strand). Cytogenetic location: 10q22.2.
Variant type: single nucleotide variant.
Coding change: c.2152C>T on transcript NM_012330.4 (MANE Select); coding-DNA position 2152, C replaced by T.
Protein change: p.Arg718Trp; replaces arginine 718 with tryptophan.
Molecular consequence: missense variant. On other transcripts: intron variant (2).
Genome position (GRCh38, 1-based): chr10:74,979,260, C>T. VCF-style: chr10-74979260-C-T. GRCh37 (hg19) VCF-style: chr10-76739018-C-T.
Other names: c.1603C>T, p.Arg535Trp (NM_001256468.2, NM_001370138.1); c.1276C>T, p.Arg426Trp (NM_001256469.2, NM_001370132.1, NM_001370139.1 and 3 more transcripts); c.229C>T, p.Arg77Trp (NM_001370134.1); c.2152C>T, p.Arg718Trp (NM_001370136.1, NM_001370137.1); c.1087C>T, p.Arg363Trp (NM_001370143.1, NM_001370144.1); c.846+9485C>T (NM_001370133.1); c.193-9759C>T (NM_001370135.1); short protein forms R363W, R426W, R535W, R718W, R77W.
Identifiers: ClinVar variation 977154 (VCV000977154.6), dbSNP rs1842359062, ClinGen allele CA377292044.
Genomic context (GRCh38, chr10:74,979,260, plus strand): 5'-TTTCCTTTTCTTTCTATTTGACAGAAAATAGAGTGTGAGAGTGGGGTGGAAGACTGTGGC[C>T]GGTACCCTTCTGTGATTGAATTTGGTAAATATGAAATCCAAACCTGGTACTCCTCGCCTT-3'
Protein context (NP_036462.2, residues 708-728): ECESGVEDCG[Arg718Trp]YPSVIEFGKY

ClinVar aggregate classification (germline): Uncertain significance. Review status: criteria provided, multiple submitters, no conflicts (2 of 4 stars). 2 submissions from 2 submitters: Uncertain significance (2). Last evaluated 2022-05-03.

Conditions:
Genitopatellar syndrome (GTPTS). Also called: Genitopatellar syndrome (GPS); ABSENT PATELLAE, SCROTAL HYPOPLASIA, RENAL ANOMALIES, FACIAL DYSMORPHISM, AND MENTAL RETARDATION. Identifiers: Orphanet 85201, MedGen C1853566, MONDO:0011640, OMIM 606170.
Nephronophthisis. Also called: Juvenile Nephronophthisis. Identifiers: Orphanet 655, MedGen C0687120, MONDO:0019005, HP:0000090.

Allele frequency attached by ClinVar (database versions not stated): TOPMed below 0.00001.

Submissions (2):

Labcorp Genetics (formerly Invitae), Labcorp
Classification: Uncertain significance for Genitopatellar syndrome. Last evaluated: 2022-05-03. Review status: criteria provided, single submitter. Criteria: Invitae Variant Classification Sherloc (09022015). Collection method: clinical testing. Allele origin: germline.
Comment: This variant is not present in population databases (gnomAD no frequency). This sequence change replaces arginine, which is basic and polar, with tryptophan, which is neutral and slightly polar, at codon 718 of the KAT6B protein (p.Arg718Trp). This missense change has been observed in individual(s) with KAT6B-related conditions (PMID: 30143558). In summary, the available evidence is currently insufficient to determine the role of this variant in disease. Therefore, it has been classified as a Variant of Uncertain Significance. Algorithms developed to predict the effect of missense changes on protein structure and function are either unavailable or do not agree on the potential impact of this missense change (SIFT: "Deleterious"; PolyPhen-2: "Probably Damaging"; Align-GVGD: "Class C0"). ClinVar contains an entry for this variant (Variation ID: 977154).

Broad Center for Mendelian Genomics, Broad Institute of MIT and Harvard
Classification: Uncertain significance for Nephronophthisis. Last evaluated: 2020-05-28. Review status: criteria provided, single submitter. Criteria: ACMG Guidelines, 2015. Collection method: research. Allele origin: germline. Inheritance: Autosomal dominant inheritance.
Comment: This variant was absent from large population studies. Computational prediction tools and conservation analyses suggest that this variant may impact the protein, though this information is not predictive enough to determine pathogenicity. In summary, while there is some suspicion for a pathogenic role, the clinical significance of this variant is uncertain.ACMG/AMP Criteria applied: PM2, PP3 (Richards 2015)

Literature cited by the submitters: PubMed 30143558 (cited by Labcorp Genetics (formerly Invitae), Labcorp).